The following is an entry in ClinVar:

NM_001369458.1(NFIB):c.97-91101T>A

Gene: NFIB (nuclear factor I B; minus strand). Cytogenetic location: 9p22.3.
Variant type: single nucleotide variant.
Coding change: c.97-91101T>A on transcript NM_001369458.1; 91101 bases into the intron before coding-DNA position 97, T replaced by A.
Molecular consequence: intron variant. On other transcripts: missense variant (1).
Genome position (GRCh38, 1-based): chr9:14,398,621, A>T on the plus strand (T>A on the coding strand, the complement: NFIB is on the minus strand). VCF-style: chr9-14398621-A-T. GRCh37 (hg19) VCF-style: chr9-14398620-A-T.
Other names: c.11T>A, p.Ile4Asn (NM_001190738.2); c.97-91101T>A (NM_001369468.1, NM_001369462.1, NM_001369459.1); short protein forms I4N.
Identifiers: ClinVar variation 4813898 (VCV004813898.1).

ClinVar aggregate classification (germline): Uncertain significance (1 of 4 stars; one submission).

Submission:

GeneDx
Classification: Uncertain significance. Last evaluated: 2025-09-20. Review status: criteria provided, single submitter. Criteria: GeneDx Variant Classification Process June 2021. Collection method: clinical testing. Allele origin: germline. Affected: yes.
Comment: Not observed at significant frequency in large population cohorts (gnomAD); In silico analysis suggests that this missense variant does not alter protein structure/function; Has not been previously published as pathogenic or benign to our knowledge; Reported using an alternate transcript of the gene